The following is an entry in ClinVar:

ClinVar aggregate classification (germline): Uncertain significance (1 of 4 stars; one submission).

Allele frequency attached by ClinVar (database versions not stated): gnomAD 0.00001; gnomAD exomes 0.00001; TOPMed 0.00001.
gnomAD v4.1: 8 of 1,610,436 alleles (0.0005%); highest among the groups gnomAD compares: African/African-American, 0.0013%; no homozygotes.

Submission:

Labcorp Genetics (formerly Invitae), Labcorp
Classification: Uncertain significance. Last evaluated: 2025-08-25. Review status: criteria provided, single submitter. Criteria: Invitae Variant Classification Sherloc (09022015). Collection method: clinical testing. Allele origin: germline.
Comment: This sequence change replaces methionine, which is neutral and non-polar, with isoleucine, which is neutral and non-polar, at codon 305 of the CEP97 protein (p.Met305Ile). This variant is not present in population databases (gnomAD no frequency). This variant has not been reported in the literature in individuals affected with CEP97-related conditions. ClinVar contains an entry for this variant (Variation ID: 2965916). Invitae Evidence Modeling of protein sequence and biophysical properties (such as structural, functional, and spatial information, amino acid conservation, physicochemical variation, residue mobility, and thermodynamic stability) indicates that this missense variant is not expected to disrupt CEP97 protein function with a negative predictive value of 80%. In summary, the available evidence is currently insufficient to determine the role of this variant in disease. Therefore, it has been classified as a Variant of Uncertain Significance.

NM_024548.4(CEP97):c.915G>A (p.Met305Ile)

Gene: CEP97 (centrosomal protein 97; plus strand). Cytogenetic location: 3q12.3.
Variant type: single nucleotide variant.
Coding change: c.915G>A on transcript NM_024548.4 (MANE Select); coding-DNA position 915, G replaced by A.
Protein change: p.Met305Ile; replaces methionine 305 with isoleucine.
Molecular consequence: missense variant.
Genome position (GRCh38, 1-based): chr3:101,757,084, G>A. VCF-style: chr3-101757084-G-A. GRCh37 (hg19) VCF-style: chr3-101475928-G-A.
Other names: c.915G>A, p.Met305Ile (NM_001303401.2); c.813G>A, p.Met271Ile (NM_001410784.1, NM_001410785.1); short protein forms M271I, M305I.
Identifiers: ClinVar variation 2965916 (VCV002965916.3), dbSNP rs1255933692, ClinGen allele CA353874632.